The following is an entry in ClinVar:

ClinVar aggregate classification (germline): Uncertain significance (1 of 4 stars; one submission).

Allele frequency attached by ClinVar (database versions not stated): gnomAD exomes below 0.00001 and 0.00001; ExAC 0.00001; gnomAD 0.00001; ESP Exome Variant Server 0.00008.
gnomAD v4.1: 16 of 1,613,854 alleles (0.00099%); highest among the groups gnomAD compares: Admixed American, 0.0017%; no homozygotes.

Submissions (2):

Labcorp Genetics (formerly Invitae), Labcorp
Classification: Uncertain significance. Last evaluated: 2022-02-24. Review status: criteria provided, single submitter. Criteria: Invitae Variant Classification Sherloc (09022015). Collection method: clinical testing. Allele origin: germline.
Comment: This variant has not been reported in the literature in individuals affected with DEAF1-related conditions. Algorithms developed to predict the effect of missense changes on protein structure and function are either unavailable or do not agree on the potential impact of this missense change (SIFT: "Tolerated"; PolyPhen-2: "Possibly Damaging"; Align-GVGD: "Class C0"). Algorithms developed to predict the effect of sequence changes on RNA splicing suggest that this variant may create or strengthen a splice site. In summary, the available evidence is currently insufficient to determine the role of this variant in disease. Therefore, it has been classified as a Variant of Uncertain Significance. This sequence change replaces glycine, which is neutral and non-polar, with serine, which is neutral and polar, at codon 184 of the DEAF1 protein (p.Gly184Ser). This variant is present in population databases (rs371722695, gnomAD 0.003%).

Dr. Peter K. Rogan Lab, Western University
No classification provided (evidence only). Condition: Sarcoma. Review status: no classification provided. Collection method: in vitro. Allele origin: not applicable. Functional consequence: retained intron. Not counted in ClinVar's aggregate classification.

NM_021008.4(DEAF1):c.550G>A (p.Gly184Ser)

Gene: DEAF1 (DEAF1 transcription factor; minus strand). Cytogenetic location: 11p15.5.
Variant type: single nucleotide variant.
Coding change: c.550G>A on transcript NM_021008.4 (MANE Select); coding-DNA position 550, G replaced by A.
Protein change: p.Gly184Ser; replaces glycine 184 with serine.
Molecular consequence: missense variant. On other transcripts: 5 prime UTR variant (1).
Genome position (GRCh38, 1-based): chr11:688,025, C>T on the plus strand (G>A on the coding strand, the complement: DEAF1 is on the minus strand). VCF-style: chr11-688025-C-T. GRCh37 (hg19) VCF-style: chr11-688025-C-T.
Other names: c.550G>A, p.Gly184Ser (NM_001293634.2); c.-177G>A (NM_001367390.1); short protein forms G184S.
Identifiers: ClinVar variation 1522986 (VCV001522986.7), dbSNP rs371722695, ClinGen allele CA5786490.